The following is an entry in ClinVar:

ClinVar aggregate classification (germline): Uncertain significance (1 of 4 stars; one submission).

Conditions:
Inborn genetic diseases. Identifiers: MedGen C0950123, MeSH D030342.

Submission:

Ambry Genetics
Classification: Uncertain significance for Inborn genetic diseases. Last evaluated: 2025-10-19. Review status: criteria provided, single submitter. Criteria: Ambry Variant Classification Scheme 2023. Collection method: clinical testing. Allele origin: germline.
Comment: The p.V768A variant (also known as c.2303T>C), located in coding exon 1 of the SAMD9 gene, results from a T to C substitution at nucleotide position 2303. The valine at codon 768 is replaced by alanine, an amino acid with similar properties. This amino acid position is conserved. In addition, this alteration is predicted to be tolerated by in silico analysis. Based on the available evidence, the clinical significance of this variant remains unclear.

NM_017654.4(SAMD9):c.2303T>C (p.Val768Ala)

Gene: SAMD9 (sterile alpha motif domain containing 9; minus strand). Cytogenetic location: 7q21.2.
Variant type: single nucleotide variant.
Coding change: c.2303T>C on transcript NM_017654.4 (MANE Select); coding-DNA position 2303, T replaced by C.
Protein change: p.Val768Ala; replaces valine 768 with alanine.
Molecular consequence: missense variant.
Genome position (GRCh38, 1-based): chr7:93,103,795, A>G on the plus strand (T>C on the coding strand, the complement: SAMD9 is on the minus strand). VCF-style: chr7-93103795-A-G. GRCh37 (hg19) VCF-style: chr7-92733108-A-G.
Other names: c.2303T>C, p.Val768Ala (NM_001193307.2); short protein forms V768A.
Identifiers: ClinVar variation 4629881 (VCV004629881.1).